The following is an entry in ClinVar:

ClinVar aggregate classification (germline): Uncertain significance (1 of 4 stars; one submission).

Conditions:
MOGS-congenital disorder of glycosylation. Also called: MOGS-CDG; CDG 2B; CDG IIb; GLUCOSIDASE I DEFICIENCY. Identifiers: Orphanet 79330, MedGen C1853736, MONDO:0011629, OMIM 606056.

Submission:

Labcorp Genetics (formerly Invitae), Labcorp
Classification: Uncertain significance for MOGS-congenital disorder of glycosylation. Last evaluated: 2023-07-20. Review status: criteria provided, single submitter. Criteria: Invitae Variant Classification Sherloc (09022015). Collection method: clinical testing. Allele origin: germline.
Comment: This variant has not been reported in the literature in individuals affected with MOGS-related conditions. Advanced modeling of protein sequence and biophysical properties (such as structural, functional, and spatial information, amino acid conservation, physicochemical variation, residue mobility, and thermodynamic stability) performed at Invitae indicates that this missense variant is not expected to disrupt MOGS protein function. In summary, the available evidence is currently insufficient to determine the role of this variant in disease. Therefore, it has been classified as a Variant of Uncertain Significance. This variant is not present in population databases (gnomAD no frequency). This sequence change replaces serine, which is neutral and polar, with asparagine, which is neutral and polar, at codon 340 of the MOGS protein (p.Ser340Asn).

NM_006302.3(MOGS):c.1019G>A (p.Ser340Asn)

Gene: MOGS (mannosyl-oligosaccharide glucosidase; minus strand). Cytogenetic location: 2p13.1.
Variant type: single nucleotide variant.
Coding change: c.1019G>A on transcript NM_006302.3 (MANE Select); coding-DNA position 1019, G replaced by A.
Protein change: p.Ser340Asn; replaces serine 340 with asparagine.
Molecular consequence: missense variant.
Genome position (GRCh38, 1-based): chr2:74,462,770, C>T on the plus strand (G>A on the coding strand, the complement: MOGS is on the minus strand). VCF-style: chr2-74462770-C-T. GRCh37 (hg19) VCF-style: chr2-74689897-C-T.
Other names: c.701G>A, p.Ser234Asn (NM_001146158.2); short protein forms S234N, S340N.
Identifiers: ClinVar variation 2745573 (VCV002745573.3), dbSNP rs2529496827, ClinGen allele CA347377808.